The following is an entry in ClinVar:

ClinVar aggregate classification (germline): Uncertain significance (1 of 4 stars; one submission).

Conditions:
Cardiovascular phenotype. Identifiers: MedGen CN230736.

Submission:

Ambry Genetics
Classification: Uncertain significance for Cardiovascular phenotype. Last evaluated: 2026-07-24. Review status: criteria provided, single submitter. Criteria: Ambry Variant Classification Scheme 2023. Collection method: clinical testing. Allele origin: germline.
Comment: The p.E1640Q variant (also known as c.4918G>C), located in coding exon 31 of the MYH6 gene, results from a G to C substitution at nucleotide position 4918. The glutamic acid at codon 1640 is replaced by glutamine, an amino acid with highly similar properties. This amino acid position is conserved. In addition, the in silico prediction for this alteration is inconclusive. Based on the available evidence, the clinical significance of this variant remains unclear.

NM_002471.4(MYH6):c.4918G>C (p.Glu1640Gln)

Genes: MYH6 (myosin heavy chain 6; minus strand), LOC126861896 (BRD4-independent group 4 enhancer GRCh37_chr14:23854904-23856103; plus strand). Cytogenetic location: 14q11.2.
Variant type: single nucleotide variant.
Coding change: c.4918G>C on transcript NM_002471.4 (MANE Select); coding-DNA position 4918, G replaced by C.
Protein change: p.Glu1640Gln; replaces glutamic acid 1640 with glutamine.
Molecular consequence: missense variant.
Genome position (GRCh38, 1-based): chr14:23,386,356, C>G on the plus strand (G>C on the coding strand, the complement: MYH6 is on the minus strand). VCF-style: chr14-23386356-C-G. GRCh37 (hg19) VCF-style: chr14-23855565-C-G.
Other names: short protein forms E1640Q.
Identifiers: ClinVar variation 5025129 (VCV005025129.1).